The following is an entry in ClinVar:

ClinVar aggregate classification (germline): Uncertain significance (1 of 4 stars; one submission).

Conditions:
Cardiovascular phenotype. Identifiers: MedGen CN230736.

Allele frequency attached by ClinVar (database versions not stated): TOPMed below 0.00001.
gnomAD v4.1: 7 of 1,598,630 alleles (0.00044%); highest among the groups gnomAD compares: Middle Eastern, 0.017%; no homozygotes.

Submission:

Ambry Genetics
Classification: Uncertain significance for Cardiovascular phenotype. Last evaluated: 2023-07-10. Review status: criteria provided, single submitter. Criteria: Ambry Variant Classification Scheme 2023. Collection method: clinical testing. Allele origin: germline.
Comment: The p.P1126A variant (also known as c.3376C>G), located in coding exon 6 of the ALPK3 gene, results from a C to G substitution at nucleotide position 3376. The proline at codon 1126 is replaced by alanine, an amino acid with highly similar properties. This amino acid position is conserved. In addition, this alteration is predicted to be tolerated by in silico analysis. Since supporting evidence is limited at this time, the clinical significance of this alteration remains unclear.

NM_020778.5(ALPK3):c.2770C>G (p.Pro924Ala)

Gene: ALPK3 (alpha kinase 3; plus strand). Cytogenetic location: 15q25.3.
Variant type: single nucleotide variant.
Coding change: c.2770C>G on transcript NM_020778.5 (MANE Select); coding-DNA position 2770, C replaced by G.
Protein change: p.Pro924Ala; replaces proline 924 with alanine.
Molecular consequence: missense variant.
Genome position (GRCh38, 1-based): chr15:84,857,508, C>G. VCF-style: chr15-84857508-C-G. GRCh37 (hg19) VCF-style: chr15-85400739-C-G.
Other names: short protein forms P924A.
Identifiers: ClinVar variation 2624485 (VCV002624485.2), dbSNP rs767438988, ClinGen allele CA393358311.